The following is an entry in ClinVar:

NM_000784.4(CYP27A1):c.1535C>T (p.Ala512Val)

Gene: CYP27A1 (cytochrome P450 family 27 subfamily A member 1; plus strand). Cytogenetic location: 2q35.
Variant type: single nucleotide variant.
Coding change: c.1535C>T on transcript NM_000784.4 (MANE Select); coding-DNA position 1535, C replaced by T.
Protein change: p.Ala512Val; replaces alanine 512 with valine.
Molecular consequence: missense variant.
Genome position (GRCh38, 1-based): chr2:218,814,969, C>T. VCF-style: chr2-218814969-C-T. GRCh37 (hg19) VCF-style: chr2-219679692-C-T.
Other names: short protein forms A512V.
Identifiers: ClinVar variation 4869571 (VCV004869571.1).
Genomic context (GRCh38, chr2:218,814,969, plus strand): 5'-AGCTGATCCAGAAGTACAAGGTGGTCCTGGCCCCGGAGACGGGGGAGTTGAAGAGTGTGG[C>T]CCGCATTGTCCTGGTTCCCAATAAGAAAGTGGGCCTGCAGTTCCTGCAGAGACAGTGCTG-3'
Protein context (NP_000775.1, residues 502-522): APETGELKSV[Ala512Val]RIVLVPNKKV

ClinVar aggregate classification (germline): Uncertain significance (1 of 4 stars; one submission).

Conditions:
Cardiovascular phenotype. Identifiers: MedGen CN230736.

Submission:

Ambry Genetics
Classification: Uncertain significance for Cardiovascular phenotype. Last evaluated: 2026-03-28. Review status: criteria provided, single submitter. Criteria: Ambry Variant Classification Scheme 2023. Collection method: clinical testing. Allele origin: germline.
Comment: The p.A512V variant (also known as c.1535C>T), located in coding exon 9 of the CYP27A1 gene, results from a C to T substitution at nucleotide position 1535. The alanine at codon 512 is replaced by valine, an amino acid with similar properties. This amino acid position is conserved. In addition, this alteration is predicted to be tolerated by in silico analysis. Based on the available evidence, the clinical significance of this variant remains unclear.